The following is an entry in ClinVar:

ClinVar aggregate classification (germline): Uncertain significance (1 of 4 stars; one submission).

Submission:

Labcorp Genetics (formerly Invitae), Labcorp
Classification: Uncertain significance. Last evaluated: 2025-03-25. Review status: criteria provided, single submitter. Criteria: Invitae Variant Classification Sherloc (09022015). Collection method: clinical testing. Allele origin: germline.
Comment: This sequence change affects codon 1236 of the SETD5 mRNA. It is a 'silent' change, meaning that it does not change the encoded amino acid sequence of the SETD5 protein. This variant is not present in population databases (gnomAD no frequency). This variant has not been reported in the literature in individuals affected with SETD5-related conditions. Algorithms developed to predict the effect of sequence changes on RNA splicing suggest that this variant may create or strengthen a splice site. In summary, the available evidence is currently insufficient to determine the role of this variant in disease. Therefore, it has been classified as a Variant of Uncertain Significance.

NM_001080517.3(SETD5):c.3708A>G (p.Arg1236=)

Gene: SETD5 (SET domain containing 5; plus strand). Cytogenetic location: 3p25.3.
Variant type: single nucleotide variant.
Coding change: c.3708A>G on transcript NM_001080517.3 (MANE Select); coding-DNA position 3708, A replaced by G.
Protein change: p.Arg1236=; no amino-acid change (arginine 1236 retained).
Molecular consequence: synonymous variant.
Genome position (GRCh38, 1-based): chr3:9,475,144, A>G. VCF-style: chr3-9475144-A-G. GRCh37 (hg19) VCF-style: chr3-9516828-A-G.
Other names: c.3414A>G, p.Arg1138= (NM_001292043.2, NM_001349451.2); c.3804A>G, p.Arg1268= (NM_001437633.1); c.3822A>G, p.Arg1274= (NM_001437635.1); c.3765A>G, p.Arg1255= (NM_001437643.1); c.3747A>G, p.Arg1249= (NM_001437701.1).
Identifiers: ClinVar variation 4767690 (VCV004767690.1).